The following is an entry in ClinVar:

NM_001164760.2(PRKAR1B):c.657G>A (p.Thr219=)

Gene: PRKAR1B (protein kinase cAMP-dependent type I regulatory subunit beta; minus strand). Cytogenetic location: 7p22.3.
Variant type: single nucleotide variant.
Coding change: c.657G>A on transcript NM_001164760.2 (MANE Select); coding-DNA position 657, G replaced by A.
Protein change: p.Thr219=; no amino-acid change (threonine 219 retained).
Molecular consequence: synonymous variant.
Genome position (GRCh38, 1-based): chr7:596,197, C>T on the plus strand (G>A on the coding strand, the complement: PRKAR1B is on the minus strand). VCF-style: chr7-596197-C-T. GRCh37 (hg19) VCF-style: chr7-635834-C-T.
Other names: c.657G>A, p.Thr219= (NM_001164758.2, NM_001164759.1, NM_001164761.2 and 2 more transcripts).
Identifiers: ClinVar variation 723384 (VCV000723384.5), dbSNP rs79302454, ClinGen allele CA4110019.
Genomic context (GRCh38, chr7:596,197, plus strand): 5'-CCAACTCACCATAAGGATGCGCCGGTAGCTGTCCCGGTCGATCCCCCAGAGCTTGAGGTC[C>T]GTCTTGGCTTTCACGGTCGCAGCCCTGGGGGTGCCGTAGATGAGCGCCAGCTCCCCGAAG-3'
Protein context (NP_001158232.1, residues 209-229): TPRAATVKAK[Thr219=]DLKLWGIDRD

ClinVar aggregate classification (germline): Benign. Review status: criteria provided, single submitter (1 of 4 stars). 2 submissions from 2 submitters: Benign (1). 1 of the submissions does not count toward it. Last evaluated 2019-12-31.

Conditions:
PRKAR1B-related disorder. Also called: PRKAR1B-related condition.

Allele frequency attached by ClinVar (database versions not stated): gnomAD 0.00348 and 0.00325; 1000 Genomes Project 30x 0.00422; ESP Exome Variant Server 0.00446; TOPMed 0.00378; 1000 Genomes Project 0.00459.
gnomAD v4.1: 974 of 1,614,054 alleles (0.06%); highest among the groups gnomAD compares: African/African-American, 1.1%; 10 homozygotes.

Submissions (2):

Labcorp Genetics (formerly Invitae), Labcorp
Classification: Benign. Last evaluated: 2019-12-31. Review status: criteria provided, single submitter. Criteria: Invitae Variant Classification Sherloc (09022015). Collection method: clinical testing. Allele origin: germline.

PreventionGenetics, part of Exact Sciences
Classification: Benign for PRKAR1B-related condition. Last evaluated: 2024-08-09. Review status: no assertion criteria provided. Collection method: clinical testing. Allele origin: germline. Not counted in ClinVar's aggregate classification.
Comment: This variant is classified as benign based on ACMG/AMP sequence variant interpretation guidelines (Richards et al. 2015 PMID: 25741868, with internal and published modifications).